The following is an entry in ClinVar:

ClinVar aggregate classification (germline): Conflicting classifications of pathogenicity. Review status: criteria provided, conflicting classifications (1 of 4 stars). 2 submissions from 2 submitters: Uncertain significance (1); Likely benign (1). Last evaluated 2024-12-01.

Conditions:
PURA-related severe neonatal hypotonia-seizures-encephalopathy syndrome (NEDRIHF). Also called: NEURODEVELOPMENTAL DISORDER WITH NEONATAL RESPIRATORY INSUFFICIENCY, HYPOTONIA, AND FEEDING DIFFICULTIES; PURA-Related Neurodevelopmental Disorders. Identifiers: Orphanet 438213, Orphanet 438216, MedGen C4015357, MONDO:1060108, OMIM 616158, MONDO:0018580.

gnomAD v4.1: 1 of 1,291,058 alleles (0.000077%); highest among the groups gnomAD compares: Non-Finnish European, 0.000097%; no homozygotes.

Submissions (2):

CeGaT Center for Human Genetics Tuebingen
Classification: Likely benign. Last evaluated: 2024-12-01. Review status: criteria provided, single submitter. Criteria: CeGaT Center For Human Genetics Tuebingen Variant Classification Criteria Version 2. Collection method: clinical testing. Allele origin: germline. Affected: yes. Observed: 1 variant allele.
Comment: PURA: BP4, BP7

Labcorp Genetics (formerly Invitae), Labcorp
Classification: Uncertain significance for PURA-related severe neonatal hypotonia-seizures-encephalopathy syndrome. Last evaluated: 2023-08-04. Review status: criteria provided, single submitter. Criteria: Invitae Variant Classification Sherloc (09022015). Collection method: clinical testing. Allele origin: germline.
Comment: This variant is not present in population databases (gnomAD no frequency). This sequence change affects codon 43 of the PURA mRNA. It is a 'silent' change, meaning that it does not change the encoded amino acid sequence of the PURA protein. This variant has not been reported in the literature in individuals affected with PURA-related conditions. In summary, the available evidence is currently insufficient to determine the role of this variant in disease. Therefore, it has been classified as a Variant of Uncertain Significance.

NM_005859.5(PURA):c.129T>C (p.Ser43=)

Gene: PURA (purine rich element binding protein A; plus strand). Cytogenetic location: 5q31.3.
Variant type: single nucleotide variant.
Coding change: c.129T>C on transcript NM_005859.5 (MANE Select); coding-DNA position 129, T replaced by C.
Protein change: p.Ser43=; no amino-acid change (serine 43 retained).
Molecular consequence: synonymous variant.
Genome position (GRCh38, 1-based): chr5:140,114,310, T>C. VCF-style: chr5-140114310-T-C. GRCh37 (hg19) VCF-style: chr5-139493895-T-C.
Identifiers: ClinVar variation 2833057 (VCV002833057.16), dbSNP rs1763038797, ClinGen allele CA446758710.
Genomic context (GRCh38, chr5:140,114,310, plus strand): 5'-CCCCGGCTCGGGCTCAGGCTCCGGCGGGGGCGGTGGTGGCGGCGGGGGCGGCGGCGGCAG[T>C]GGCGGCGGCGGCGGCGGGGCCCCAGGGGGGCTGCAGCACGAGACGCAGGAGCTGGCCTCC-3'
Protein context (NP_005850.1, residues 33-53): GGGGGGGGGG[Ser43=]GGGGGGAPGG